The following is an entry in ClinVar:

NM_020806.5(GPHN):c.784A>G (p.Ile262Val)

Gene: GPHN (gephyrin; plus strand). Cytogenetic location: 14q23.3.
Variant type: single nucleotide variant.
Coding change: c.784A>G on transcript NM_020806.5 (MANE Select); coding-DNA position 784, A replaced by G.
Protein change: p.Ile262Val; replaces isoleucine 262 with valine.
Molecular consequence: missense variant. On other transcripts: intron variant (7).
Genome position (GRCh38, 1-based): chr14:66,924,248, A>G. VCF-style: chr14-66924248-A-G. GRCh37 (hg19) VCF-style: chr14-67390965-A-G.
Other names: c.768+1310A>G (NM_001377514.1, NM_001377519.1); c.729+1310A>G (NM_001377515.1, NM_001377516.1, NM_001377518.1 and 2 more transcripts); short protein forms I262V.
Identifiers: ClinVar variation 2801863 (VCV002801863.3), dbSNP rs2066363210, ClinGen allele CA390256714.

ClinVar aggregate classification (germline): Uncertain significance (1 of 4 stars; one submission).

Conditions:
Sulfite oxidase deficiency due to molybdenum cofactor deficiency type C. Also called: Molybdenum cofactor deficiency, complementation group C; Molybdenum cofactor deficiency C. Identifiers: Orphanet 308400, Orphanet 833, MedGen C1854990, MONDO:0014212, OMIM 615501.

Allele frequency attached by ClinVar (database versions not stated): gnomAD 0.00001.
gnomAD v4.1: 1 of 1,611,834 alleles (0.000062%); highest among the groups gnomAD compares: Admixed American, 0.0017%; no homozygotes.

Submission:

Labcorp Genetics (formerly Invitae), Labcorp
Classification: Uncertain significance for Sulfite oxidase deficiency due to molybdenum cofactor deficiency type C. Last evaluated: 2023-10-28. Review status: criteria provided, single submitter. Criteria: Invitae Variant Classification Sherloc (09022015). Collection method: clinical testing. Allele origin: germline.
Comment: This sequence change replaces isoleucine, which is neutral and non-polar, with valine, which is neutral and non-polar, at codon 262 of the GPHN protein (p.Ile262Val). This variant is not present in population databases (gnomAD no frequency). This variant has not been reported in the literature in individuals affected with GPHN-related conditions. An algorithm developed to predict the effect of missense changes on protein structure and function (PolyPhen-2) suggests that this variant is likely to be tolerated. In summary, the available evidence is currently insufficient to determine the role of this variant in disease. Therefore, it has been classified as a Variant of Uncertain Significance.